The following is an entry in ClinVar:

ClinVar aggregate classification (germline): Uncertain significance (1 of 4 stars; one submission).

Conditions:
ABCB4-related disorder. Also called: ABCB4-related disorders; ABCB4-related condition.

Submission:

PreventionGenetics, part of Exact Sciences
Classification: Uncertain significance for ABCB4-related condition. Last evaluated: 2026-05-14. Review status: criteria provided, single submitter. Criteria: ACMG Guidelines, 2015. Collection method: clinical testing. Allele origin: germline.
Comment: The ABCB4 c.2784-8C>G variant is predicted to interfere with splicing. To our knowledge, this variant has not been reported in the literature or in a large population database (gnomAD), indicating this variant is rare. At this time, the clinical significance of this variant is uncertain due to the absence of conclusive functional and genetic evidence.

NM_000443.4(ABCB4):c.2784-8C>G

Gene: ABCB4 (ATP binding cassette subfamily B member 4; minus strand). Cytogenetic location: 7q21.12.
Variant type: single nucleotide variant.
Coding change: c.2784-8C>G on transcript NM_000443.4 (MANE Select); 8 bases into the intron before coding-DNA position 2784, C replaced by G.
Molecular consequence: intron variant.
Genome position (GRCh38, 1-based): chr7:87,412,041, G>C on the plus strand (C>G on the coding strand, the complement: ABCB4 is on the minus strand). VCF-style: chr7-87412041-G-C. GRCh37 (hg19) VCF-style: chr7-87041357-G-C.
Other names: c.2783+1576C>G (NM_018850.3); c.2784-8C>G (NM_018849.3).
Identifiers: ClinVar variation 4984747 (VCV004984747.1).
Genomic context (GRCh38, chr7:87,412,041, plus strand): 5'-CTTGTGAGATACTAAAAGTAATTCCATAGATGTGTGCCTTCTGCACAGAATTCCTGAAAA[G>C]CAAATCAGTATACTTGTAACCATCTCTTCAGCCTCCTTTAGCGCTGTGTAGTGGAAAGAG-3'